The following is an entry in ClinVar:

NM_007186.6(CEP250):c.2609A>G (p.Gln870Arg)

Genes: CEP250 (centrosomal protein 250; plus strand), CEP250-AS1 (CEP250 antisense RNA 1; minus strand). Cytogenetic location: 20q11.22.
Variant type: single nucleotide variant.
Coding change: c.2609A>G on transcript NM_007186.6 (MANE Select); coding-DNA position 2609, A replaced by G.
Protein change: p.Gln870Arg; replaces glutamine 870 with arginine.
Molecular consequence: missense variant.
Genome position (GRCh38, 1-based): chr20:35,490,659, A>G. VCF-style: chr20-35490659-A-G. GRCh37 (hg19) VCF-style: chr20-34078485-A-G.
Other names: c.713A>G, p.Gln238Arg (NM_001318219.1); short protein forms Q870R, Q238R.
Identifiers: ClinVar variation 2854722 (VCV002854722.3), dbSNP rs2515993985, ClinGen allele CA408738832.

ClinVar aggregate classification (germline): Uncertain significance (1 of 4 stars; one submission).

Submission:

Labcorp Genetics (formerly Invitae), Labcorp
Classification: Uncertain significance. Last evaluated: 2023-04-12. Review status: criteria provided, single submitter. Criteria: Invitae Variant Classification Sherloc (09022015). Collection method: clinical testing. Allele origin: germline.
Comment: In summary, the available evidence is currently insufficient to determine the role of this variant in disease. Therefore, it has been classified as a Variant of Uncertain Significance. Algorithms developed to predict the effect of missense changes on protein structure and function output the following: SIFT: "Not Available"; PolyPhen-2: "Benign"; Align-GVGD: "Not Available". The arginine amino acid residue is found in multiple mammalian species, which suggests that this missense change does not adversely affect protein function. This sequence change replaces glutamine, which is neutral and polar, with arginine, which is basic and polar, at codon 870 of the CEP250 protein (p.Gln870Arg). This variant is not present in population databases (gnomAD no frequency). This variant has not been reported in the literature in individuals affected with CEP250-related conditions.